The following is an entry in ClinVar:

NC_000019.10:g.(?_55025218)_(55038236_?)del

Gene: GP6 (glycoprotein VI platelet; minus strand). Cytogenetic location: 19q13.42.
Variant type: Deletion.
Identifiers: ClinVar variation 831173 (VCV000831173.5).

ClinVar aggregate classification (germline): Pathogenic (1 of 4 stars; one submission).

Submission:

Labcorp Genetics (formerly Invitae), Labcorp
Classification: Pathogenic. Last evaluated: 2019-03-13. Review status: criteria provided, single submitter. Criteria: Invitae Variant Classification Sherloc (09022015). Collection method: clinical testing. Allele origin: germline.
Comment: For these reasons, this variant has been classified as Pathogenic. Loss-of-function variants in GP6 are known to be pathogenic (PMID: 16139873, 23815599). This variant has not been reported in the literature in individuals with GP6-related disease. This variant is a gross deletion of the genomic region encompassing exons 1-5 of the GP6 gene, which includes the initiator codon. The 5' end of this event is unknown as it extends beyond the assayed region for this gene and therefore may encompass additional genes. The 3' boundary is likely confined to intron 5 of the GP6 gene. This is expected to result in an absent or disrupted protein product.

Literature cited by the submitters: PubMed 16139873; PubMed 23815599.